The following is an entry in ClinVar:

ClinVar aggregate classification (germline): Likely benign (0 of 4 stars; one submission).

Conditions:
DNAH2-related disorder. Also called: DNAH2-related condition.

Allele frequency attached by ClinVar (database versions not stated): gnomAD 0.00002; ExAC 0.00003; TOPMed 0.00003; gnomAD exomes 0.00004.
gnomAD v4.1: 64 of 1,614,086 alleles (0.004%); highest among the groups gnomAD compares: Middle Eastern, 0.049%; 1 homozygote.

Submission:

PreventionGenetics, part of Exact Sciences
Classification: Likely benign for DNAH2-related condition. Last evaluated: 2019-11-16. Review status: no assertion criteria provided. Collection method: clinical testing. Allele origin: germline.
Comment: This variant is classified as likely benign based on ACMG/AMP sequence variant interpretation guidelines (Richards et al. 2015 PMID: 25741868, with internal and published modifications).

NM_020877.5(DNAH2):c.11244C>T (p.His3748=)

Gene: DNAH2 (dynein axonemal heavy chain 2; plus strand). Cytogenetic location: 17p13.1.
Variant type: single nucleotide variant.
Coding change: c.11244C>T on transcript NM_020877.5 (MANE Select); coding-DNA position 11244, C replaced by T.
Protein change: p.His3748=; no amino-acid change (histidine 3748 retained).
Molecular consequence: synonymous variant.
Genome position (GRCh38, 1-based): chr17:7,823,543, C>T. VCF-style: chr17-7823543-C-T. GRCh37 (hg19) VCF-style: chr17-7726861-C-T.
Identifiers: ClinVar variation 3048672 (VCV003048672.2), dbSNP rs780308724, ClinGen allele CA8359400.